The following is an entry in ClinVar:

ClinVar aggregate classification (germline): Uncertain significance. Review status: criteria provided, multiple submitters, no conflicts (2 of 4 stars). 2 submissions from 2 submitters: Uncertain significance (2). Last evaluated 2026-04-09.

Conditions:
Hereditary cancer-predisposing syndrome. Also called: Tumor predisposition; Neoplastic Syndromes, Hereditary; Hereditary neoplastic syndrome; Hereditary Cancer Syndrome. Identifiers: Orphanet 140162, MedGen C0027672, MeSH D009386, MONDO:0015356.
Tuberous sclerosis 2 (TSC2). Identifiers: Orphanet 805, MedGen C1860707, MONDO:0013199, OMIM 613254.

gnomAD v4.1: 2 of 1,614,152 alleles (0.00012%); highest among the groups gnomAD compares: East Asian, 0.0022%; no homozygotes.

Submissions (2):

Ambry Genetics
Classification: Uncertain significance for Hereditary cancer-predisposing syndrome. Last evaluated: 2026-04-09. Review status: criteria provided, single submitter. Criteria: Ambry Variant Classification Scheme 2023. Collection method: clinical testing. Allele origin: germline.

Labcorp Genetics (formerly Invitae), Labcorp
Classification: Uncertain significance for Tuberous sclerosis 2. Last evaluated: 2024-11-24. Review status: criteria provided, single submitter. Criteria: Invitae Variant Classification Sherloc (09022015). Collection method: clinical testing. Allele origin: germline.
Comment: This sequence change replaces valine, which is neutral and non-polar, with alanine, which is neutral and non-polar, at codon 126 of the TSC2 protein (p.Val126Ala). This variant is not present in population databases (gnomAD no frequency). This variant has not been reported in the literature in individuals affected with TSC2-related conditions. ClinVar contains an entry for this variant (Variation ID: 843821). Invitae Evidence Modeling of protein sequence and biophysical properties (such as structural, functional, and spatial information, amino acid conservation, physicochemical variation, residue mobility, and thermodynamic stability) indicates that this missense variant is not expected to disrupt TSC2 protein function with a negative predictive value of 95%. In summary, the available evidence is currently insufficient to determine the role of this variant in disease. Therefore, it has been classified as a Variant of Uncertain Significance.

NM_000548.5(TSC2):c.377T>C (p.Val126Ala)

Gene: TSC2 (TSC complex subunit 2; plus strand). Cytogenetic location: 16p13.3.
Variant type: single nucleotide variant.
Coding change: c.377T>C on transcript NM_000548.5 (MANE Select); coding-DNA position 377, T replaced by C.
Protein change: p.Val126Ala; replaces valine 126 with alanine.
Molecular consequence: missense variant. On other transcripts: intron variant (1).
Genome position (GRCh38, 1-based): chr16:2,054,336, T>C. VCF-style: chr16-2054336-T-C. GRCh37 (hg19) VCF-style: chr16-2104337-T-C.
Other names: c.377T>C, p.Val126Ala (NM_001077183.3, NM_001114382.3, NM_001363528.2 and 3 more transcripts); c.266T>C, p.Val89Ala (NM_001318827.2); c.230T>C, p.Val77Ala (NM_001318829.2); c.410T>C, p.Val137Ala (NM_001318832.2); c.-1-1860T>C (NM_001318831.2); short protein forms V126A, V77A, V89A, V137A.
Identifiers: ClinVar variation 843821 (VCV000843821.9), dbSNP rs2085502098, ClinGen allele CA394306767.